The following is an entry in ClinVar:

ClinVar aggregate classification (germline): Pathogenic (1 of 4 stars; one submission).

Conditions:
Microcephaly, normal intelligence and immunodeficiency (NBS). Also called: BERLIN BREAKAGE SYNDROME; Immunodeficiency, microcephaly with normal intelligence; Ataxia telangiectasia variant V1; Nijmegen breakage syndrome; Microcephaly with normal intelligence immunodeficiency and lymphoreticular malignancies; Nonsyndromal microcephaly autosomal recessive with normal intelligence. Identifiers: Orphanet 647, MedGen C0398791, MONDO:0009623, OMIM 251260.

Submission:

Labcorp Genetics (formerly Invitae), Labcorp
Classification: Pathogenic for Microcephaly, normal intelligence and immunodeficiency. Last evaluated: 2022-08-20. Review status: criteria provided, single submitter. Criteria: Invitae Variant Classification Sherloc (09022015). Collection method: clinical testing. Allele origin: germline.
Comment: This variant is not present in population databases (gnomAD no frequency). For these reasons, this variant has been classified as Pathogenic. This variant has not been reported in the literature in individuals affected with NBN-related conditions. This sequence change creates a premature translational stop signal (p.Ala183Glufs*48) in the NBN gene. It is expected to result in an absent or disrupted protein product. Loss-of-function variants in NBN are known to be pathogenic (PMID: 9590180, 16415040).

Literature cited by the submitters: PubMed 9590180; PubMed 16415040.

NM_002485.5(NBN):c.548del (p.Ala183fs)

Gene: NBN (nibrin; minus strand). Cytogenetic location: 8q21.3.
Variant type: Deletion.
Coding change: c.548del on transcript NM_002485.5 (MANE Select); coding-DNA position 548, one base deleted (C; older notation c.548delC).
Protein change: p.Ala183fs; shifts the reading frame from alanine 183.
Molecular consequence: frameshift variant.
Genome position (GRCh38, 1-based): chr8:89,978,256, G deleted on the plus strand (C on the coding strand, the reverse complement: NBN is on the minus strand). VCF-style (leftmost placement, unchanged base first): chr8-89978255-TG-T. GRCh37 (hg19) VCF-style: chr8-90990483-TG-T.
Other names: c.302del, p.Ala101fs (NM_001024688.3); short protein forms A101fs, A183fs.
Identifiers: ClinVar variation 2001717 (VCV002001717.4), dbSNP rs2488343766, ClinGen allele CA2580079153.
Genomic context (GRCh38, chr8:89,978,255, plus strand): 5'-GTTATATTTAAAATACATAATATACCTTTCAATTTGTGGAGGCTGCTTCTTGGACTCAAC[TG>T]CTTTCAGGAATTCAGTAAAATATTCTGGCTTTACAATTGGACGTCCACAAATGAGTGCAC-3'